The following is an entry in ClinVar:

ClinVar aggregate classification (germline): Uncertain significance. Review status: criteria provided, multiple submitters, no conflicts (2 of 4 stars). 2 submissions from 2 submitters: Uncertain significance (2). Last evaluated 2025-11-02.

Conditions:
Brugada syndrome. Also called: Sudden Unexplained Death Syndrome; Sudden Unexplained Nocturnal Death Syndrome (SUNDS); Sudden unexpected nocturnal death syndrome; Sudden unexplained nocturnal death syndrome. Identifiers: Orphanet 130, MedGen C1142166, MONDO:0015263.
Cardiovascular phenotype. Identifiers: MedGen CN230736.

Allele frequency attached by ClinVar (database versions not stated): gnomAD exomes 0.00001.
gnomAD v4.1: 7 of 1,585,878 alleles (0.00044%); highest among the groups gnomAD compares: Non-Finnish European, 0.0006%; no homozygotes.

Submissions (2):

Ambry Genetics
Classification: Uncertain significance for Cardiovascular phenotype. Last evaluated: 2025-11-02. Review status: criteria provided, single submitter. Criteria: Ambry Variant Classification Scheme 2023. Collection method: clinical testing. Allele origin: germline.
Comment: The p.P1026L variant (also known as c.3077C>T), located in coding exon 16 of the SCN10A gene, results from a C to T substitution at nucleotide position 3077. The proline at codon 1026 is replaced by leucine, an amino acid with similar properties. This amino acid position is conserved. In addition, this alteration is predicted to be tolerated by in silico analysis. Based on the available evidence, the clinical significance of this variant remains unclear.

Labcorp Genetics (formerly Invitae), Labcorp
Classification: Uncertain significance for Brugada syndrome. Last evaluated: 2019-05-16. Review status: criteria provided, single submitter. Criteria: Invitae Variant Classification Sherloc (09022015). Collection method: clinical testing. Allele origin: germline.
Comment: This sequence change replaces proline with leucine at codon 1026 of the SCN10A protein (p.Pro1026Leu). The proline residue is weakly conserved and there is a moderate physicochemical difference between proline and leucine. This variant is not present in population databases (ExAC no frequency). In summary, the available evidence is currently insufficient to determine the role of this variant in disease. Therefore, it has been classified as a Variant of Uncertain Significance. Algorithms developed to predict the effect of missense changes on protein structure and function output the following: SIFT: "Tolerated"; PolyPhen-2: "Benign"; Align-GVGD: "Class C0". The leucine amino acid residue is found in multiple mammalian species, suggesting that this missense change does not adversely affect protein function. These predictions have not been confirmed by published functional studies and their clinical significance is uncertain. This variant has not been reported in the literature in individuals with SCN10A-related conditions.

NM_006514.4(SCN10A):c.3077C>T (p.Pro1026Leu)

Genes: SCN10A (sodium voltage-gated channel alpha subunit 10; minus strand), LOC110121288 (VISTA enhancer hs2268; plus strand). Cytogenetic location: 3p22.2.
Variant type: single nucleotide variant.
Coding change: c.3077C>T on transcript NM_006514.4 (MANE Select); coding-DNA position 3077, C replaced by T.
Protein change: p.Pro1026Leu; replaces proline 1026 with leucine.
Molecular consequence: missense variant.
Genome position (GRCh38, 1-based): chr3:38,726,616, G>A on the plus strand (C>T on the coding strand, the complement: SCN10A is on the minus strand). VCF-style: chr3-38726616-G-A. GRCh37 (hg19) VCF-style: chr3-38768107-G-A.
Other names: c.3077C>T, p.Pro1026Leu (NM_001293306.2); c.2783C>T, p.Pro928Leu (NM_001293307.2); c.3077C>T (NM_006514.2); short protein forms P1026L, P928L.
Identifiers: ClinVar variation 948530 (VCV000948530.7), dbSNP rs2063457731, ClinGen allele CA352157173.
Genomic context (GRCh38, chr3:38,726,616, plus strand): 5'-CTGAAGCCCCTCCCCACTGCCTGTGGCTGTCCCTTGGGGATAACTCTTACCTGTCCTTTG[G>A]GGATCACTTCCTGCTGGAAGCTCTGAGCATCTTCCCCACCATCATCCTCCAAGTCATCAA-3'
Protein context (NP_006505.4, residues 1016-1036): DAQSFQQEVI[Pro1026Leu]KGQQEQLQQV